The following is an entry in ClinVar:

NM_001378477.3(NYX):c.976C>T (p.Leu326Phe)

Gene: NYX (nyctalopin; plus strand). Cytogenetic location: Xp11.4.
Variant type: single nucleotide variant.
Coding change: c.976C>T on transcript NM_001378477.3 (MANE Select); coding-DNA position 976, C replaced by T.
Protein change: p.Leu326Phe; replaces leucine 326 with phenylalanine.
Molecular consequence: missense variant.
Genome position (GRCh38, 1-based): chrX:41,474,444, C>T. VCF-style: chrX-41474444-C-T. GRCh37 (hg19) VCF-style: chrX-41333697-C-T.
Other names: c.976C>T, p.Leu326Phe (NM_022567.3); short protein forms L326F.
Identifiers: ClinVar variation 1465927 (VCV001465927.8), dbSNP rs1321525992, ClinGen allele CA412992033.

ClinVar aggregate classification (germline): Uncertain significance (1 of 4 stars; one submission).

Allele frequency attached by ClinVar (database versions not stated): gnomAD exomes below 0.00001 and 0.00001.
gnomAD v4.1: 1 of 1,208,805 alleles (0.000083%); highest among the groups gnomAD compares: Admixed American, 0.0022%; no homozygotes.

Submission:

Labcorp Genetics (formerly Invitae), Labcorp
Classification: Uncertain significance. Last evaluated: 2022-07-05. Review status: criteria provided, single submitter. Criteria: Invitae Variant Classification Sherloc (09022015). Collection method: clinical testing. Allele origin: germline.
Comment: This variant has not been reported in the literature in individuals affected with NYX-related conditions. This variant is present in population databases (no rsID available, gnomAD 0.004%). This sequence change replaces leucine, which is neutral and non-polar, with phenylalanine, which is neutral and non-polar, at codon 331 of the NYX protein (p.Leu331Phe). ClinVar contains an entry for this variant (Variation ID: 1465927). In summary, the available evidence is currently insufficient to determine the role of this variant in disease. Therefore, it has been classified as a Variant of Uncertain Significance. Algorithms developed to predict the effect of missense changes on protein structure and function are either unavailable or do not agree on the potential impact of this missense change (SIFT: "Deleterious"; PolyPhen-2: "Probably Damaging"; Align-GVGD: "Class C15").